The following is an entry in ClinVar:

NM_000384.3(APOB):c.2497G>A (p.Glu833Lys)

Gene: APOB (apolipoprotein B; minus strand). Cytogenetic location: 2p24.1.
Variant type: single nucleotide variant.
Coding change: c.2497G>A on transcript NM_000384.3 (MANE Select); coding-DNA position 2497, G replaced by A.
Protein change: p.Glu833Lys; replaces glutamic acid 833 with lysine.
Molecular consequence: missense variant.
Genome position (GRCh38, 1-based): chr2:21,023,632, C>T on the plus strand (G>A on the coding strand, the complement: APOB is on the minus strand). VCF-style: chr2-21023632-C-T. GRCh37 (hg19) VCF-style: chr2-21246504-C-T.
Other names: short protein forms E833K.
Identifiers: ClinVar variation 4826825 (VCV004826825.1).

ClinVar aggregate classification (germline): Uncertain significance (1 of 4 stars; one submission).

Conditions:
Cardiovascular phenotype. Identifiers: MedGen CN230736.

gnomAD v4.1: 12 of 1,614,054 alleles (0.00074%); highest among the groups gnomAD compares: Non-Finnish European, 0.00085%; no homozygotes.

Submission:

Ambry Genetics
Classification: Uncertain significance for Cardiovascular phenotype. Last evaluated: 2026-03-11. Review status: criteria provided, single submitter. Criteria: Ambry Variant Classification Scheme 2023. Collection method: clinical testing. Allele origin: germline.
Comment: The p.E833K variant (also known as c.2497G>A), located in coding exon 17 of the APOB gene, results from a G to A substitution at nucleotide position 2497. The glutamic acid at codon 833 is replaced by lysine, an amino acid with similar properties. This amino acid position is conserved. In addition, this alteration is predicted to be tolerated by in silico analysis. Based on the available evidence, the clinical significance of this variant remains unclear.